The following is an entry in ClinVar:

ClinVar aggregate classification (germline): Uncertain significance (1 of 4 stars; one submission).

Allele frequency attached by ClinVar (database versions not stated): gnomAD exomes below 0.00001.
gnomAD v4.1: 1 of 1,614,196 alleles (0.000062%); highest among the groups gnomAD compares: Non-Finnish European, 0.000085%; no homozygotes.

Submission:

Labcorp Genetics (formerly Invitae), Labcorp
Classification: Uncertain significance. Last evaluated: 2022-08-04. Review status: criteria provided, single submitter. Criteria: Invitae Variant Classification Sherloc (09022015). Collection method: clinical testing. Allele origin: germline.
Comment: In summary, the available evidence is currently insufficient to determine the role of this variant in disease. Therefore, it has been classified as a Variant of Uncertain Significance. Algorithms developed to predict the effect of missense changes on protein structure and function are either unavailable or do not agree on the potential impact of this missense change (SIFT: "Deleterious"; PolyPhen-2: "Benign"; Align-GVGD: "Class C0"). This variant has not been reported in the literature in individuals affected with PLAA-related conditions. This variant is present in population databases (no rsID available, gnomAD 0.0009%). This sequence change replaces valine, which is neutral and non-polar, with leucine, which is neutral and non-polar, at codon 175 of the PLAA protein (p.Val175Leu).

NM_001031689.3(PLAA):c.523G>C (p.Val175Leu)

Gene: PLAA (phospholipase A2 activating protein; minus strand). Cytogenetic location: 9p21.2.
Variant type: single nucleotide variant.
Coding change: c.523G>C on transcript NM_001031689.3 (MANE Select); coding-DNA position 523, G replaced by C.
Protein change: p.Val175Leu; replaces valine 175 with leucine.
Molecular consequence: missense variant.
Genome position (GRCh38, 1-based): chr9:26,928,142, C>G on the plus strand (G>C on the coding strand, the complement: PLAA is on the minus strand). VCF-style: chr9-26928142-C-G. GRCh37 (hg19) VCF-style: chr9-26928140-C-G.
Other names: c.523G>C, p.Val175Leu (NM_001321546.2); short protein forms V175L.
Identifiers: ClinVar variation 1715040 (VCV001715040.5), dbSNP rs1263525837, ClinGen allele CA373133917.
Genomic context (GRCh38, chr9:26,928,142, plus strand): 5'-TGTCTACCCTGATCTTACCTGAAAAAGTCCTCTCACATCTTCCAGCCTTCCACAGTTTAA[C>G]AGTCTTGTCTGCTGATCCAGTCAACATTAAGCCCTGTTCAGGTAAGATCTTTACCGCCCA-3'
Protein context (NP_001026859.1, residues 165-185): LMLTGSADKT[Val175Leu]KLWKAGRCER